The following is an entry in ClinVar:

ClinVar aggregate classification (germline): Uncertain significance. Review status: criteria provided, multiple submitters, no conflicts (2 of 4 stars). 3 submissions from 3 submitters: Uncertain significance (3). Last evaluated 2026-06-09.

Conditions:
Charcot-Marie-Tooth disease type 2. Also called: Charcot-Marie-Tooth type 2. Identifiers: Orphanet 64746, MedGen C0270914, MONDO:0018993.

Allele frequency attached by ClinVar (database versions not stated): TOPMed below 0.00001; ExAC 0.00001; gnomAD 0.00001; ESP Exome Variant Server 0.00008; gnomAD exomes 0.00009 and 0.00001.
gnomAD v4.1: 127 of 1,608,766 alleles (0.0079%); highest among the groups gnomAD compares: Non-Finnish European, 0.011%; no homozygotes.

Submissions (3):

Women's Health and Genetics/Laboratory Corporation of America, LabCorp
Classification: Uncertain significance. Last evaluated: 2026-06-09. Review status: criteria provided, single submitter. Criteria: LabCorp Variant Classification Summary - May 2015. Collection method: clinical testing. Allele origin: germline.
Comment: Variant summary: KIF1B c.1982A>T (p.Tyr661Phe) results in a conservative amino acid change in the encoded protein sequence. Algorithms developed to predict the effect of missense changes on protein structure and function are either unavailable or do not agree on the potential impact of this missense change. The variant allele was found at a frequency of 8e-06 in 250980 control chromosomes. The available data on variant occurrences in the general population are insufficient to allow any conclusion about variant significance. To our knowledge, no occurrence of c.1982A>T in individuals affected with KIF1B-related conditions and no experimental evidence demonstrating its impact on protein function have been reported. ClinVar contains an entry for this variant (Variation ID: 476782). Based on the evidence outlined above, the variant was classified as uncertain significance.

Ambry Genetics
Classification: Uncertain significance. Last evaluated: 2025-06-03. Review status: criteria provided, single submitter. Criteria: Ambry Variant Classification Scheme 2023. Collection method: clinical testing. Allele origin: germline.

Labcorp Genetics (formerly Invitae), Labcorp
Classification: Uncertain significance for Charcot-Marie-Tooth disease type 2. Last evaluated: 2024-07-24. Review status: criteria provided, single submitter. Criteria: Invitae Variant Classification Sherloc (09022015). Collection method: clinical testing. Allele origin: germline.
Comment: This sequence change replaces tyrosine, which is neutral and polar, with phenylalanine, which is neutral and non-polar, at codon 661 of the KIF1B protein (p.Tyr661Phe). This variant is present in population databases (rs140536329, gnomAD 0.002%). This variant has not been reported in the literature in individuals affected with KIF1B-related conditions. ClinVar contains an entry for this variant (Variation ID: 476782). Advanced modeling of protein sequence and biophysical properties (such as structural, functional, and spatial information, amino acid conservation, physicochemical variation, residue mobility, and thermodynamic stability) performed at Invitae indicates that this missense variant is not expected to disrupt KIF1B protein function with a negative predictive value of 80%. In summary, the available evidence is currently insufficient to determine the role of this variant in disease. Therefore, it has been classified as a Variant of Uncertain Significance.

NM_001365951.3(KIF1B):c.2120A>T (p.Tyr707Phe)

Gene: KIF1B (kinesin family member 1B; plus strand). Cytogenetic location: 1p36.22.
Variant type: single nucleotide variant.
Coding change: c.2120A>T on transcript NM_001365951.3 (MANE Select); coding-DNA position 2120, A replaced by T.
Protein change: p.Tyr707Phe; replaces tyrosine 707 with phenylalanine.
Molecular consequence: missense variant.
Genome position (GRCh38, 1-based): chr1:10,320,047, A>T. VCF-style: chr1-10320047-A-T. GRCh37 (hg19) VCF-style: chr1-10380105-A-T.
Other names: c.2120A>T, p.Tyr707Phe (NM_001365952.1); c.1982A>T, p.Tyr661Phe (NM_015074.3); short protein forms Y661F, Y707F.
Identifiers: ClinVar variation 476782 (VCV000476782.14), dbSNP rs140536329, ClinGen allele CA581459.
Genomic context (GRCh38, chr1:10,320,047, plus strand): 5'-CCCTGCCCTCTTATTTCTTCCCTCTCCTACATGTTATCTCCTTTCTTTTCATTCAGGACT[A>T]TGAGAGTAAATTGCAGGCCTTGCAGAAGCAGGTTGAAACCCGATCTCTGGCTGCAGAAAC-3'
Protein context (NP_001352880.1, residues 697-717): DLLLEQQRLD[Tyr707Phe]ESKLQALQKQ